The following is an entry in ClinVar:

ClinVar aggregate classification (germline): Conflicting classifications of pathogenicity. Review status: criteria provided, conflicting classifications (1 of 4 stars). 3 submissions from 3 submitters: Uncertain significance (2); Likely benign (1). Last evaluated 2026-07-10.

Conditions:
TTN-related disorder. Also called: TTN-related condition; TTN-related disease; TTN-related disorders.
Tibial muscular dystrophy (TMD). Also called: UDD MYOPATHY; Tibial muscular dystrophy, tardive; Udd Distal Myopathy – Tibial Muscular Dystrophy. Identifiers: Orphanet 609, MedGen C1838244, MONDO:0010870, OMIM 600334.
Myopathy, myofibrillar, 9, with early respiratory failure (MFM9). Also called: Hereditary myopathy with early respiratory failure; EDSTROM MYOPATHY; MYOPATHY, PROXIMAL, WITH EARLY RESPIRATORY MUSCLE INVOLVEMENT; Myopathy, distal, with early respiratory failure, autosomal dominant. Identifiers: Orphanet 178464, Orphanet 34521, MedGen C1863599, MONDO:0011362, OMIM 603689.
Early-onset myopathy with fatal cardiomyopathy (CMYO5). Also called: Salih Myopathy; CONGENITAL MYOPATHY 5 WITH CARDIOMYOPATHY. Identifiers: Orphanet 289377, MedGen C2673677, MONDO:0012714, OMIM 611705. Disease mechanism: loss of function.
Dilated cardiomyopathy 1G (CMD1G). Identifiers: Orphanet 154, MedGen C1858763, MONDO:0011400, OMIM 604145.
Autosomal recessive limb-girdle muscular dystrophy type 2J (LGMDR10). Also called: Limb-girdle muscular dystrophy, type 2J; MUSCULAR DYSTROPHY, LIMB-GIRDLE, AUTOSOMAL RECESSIVE 10. Identifiers: Orphanet 140922, MedGen C1837342, MONDO:0012127, OMIM 608807.
Hypertrophic cardiomyopathy 9. Also called: Familial hypertrophic cardiomyopathy 9. Identifiers: MedGen C1861065, MONDO:0013412, OMIM 613765.

gnomAD v4.1: 67 of 1,613,740 alleles (0.0042%); highest among the groups gnomAD compares: Middle Eastern, 0.017%; no homozygotes.

Submissions (3):

PreventionGenetics, part of Exact Sciences
Classification: Uncertain significance for TTN-related condition. Last evaluated: 2026-07-10. Review status: criteria provided, single submitter. Criteria: ACMG Guidelines, 2015. Collection method: clinical testing. Allele origin: germline.
Comment: The TTN c.15923G>A variant is predicted to result in the amino acid substitution p.Arg5308Gln. To our knowledge, this variant has not been reported in the literature. This variant is reported in 0.031% of alleles in individuals of East Asian descent in gnomAD. At this time, the clinical significance of this variant is uncertain due to the absence of conclusive functional and genetic evidence.

Blueprint Genetics
Classification: Likely benign. Last evaluated: 2024-07-18. Review status: criteria provided, single submitter. Criteria: ACMG Guidelines, 2015. Collection method: clinical testing. Allele origin: germline.

Department of Pathology and Laboratory Medicine, Sinai Health System
Classification: Uncertain significance for Tibial muscular dystrophy; Myopathy, myofibrillar, 9, with early respiratory failure; Dilated cardiomyopathy 1G; Autosomal recessive limb-girdle muscular dystrophy type 2J; Early-onset myopathy with fatal cardiomyopathy; Hypertrophic cardiomyopathy 9. Last evaluated: 2022-11-07. Review status: criteria provided, single submitter. Criteria: ACMG Guidelines, 2015. Collection method: research. Allele origin: germline.

NM_001267550.2(TTN):c.15923G>A (p.Arg5308Gln)

Gene: TTN (titin; minus strand). Cytogenetic location: 2q31.2.
Variant type: single nucleotide variant.
Coding change: c.15923G>A on transcript NM_001267550.2 (MANE Select); coding-DNA position 15923, G replaced by A.
Protein change: p.Arg5308Gln; replaces arginine 5308 with glutamine.
Molecular consequence: missense variant. On other transcripts: intron variant (3).
Genome position (GRCh38, 1-based): chr2:178,733,370, C>T on the plus strand (G>A on the coding strand, the complement: TTN is on the minus strand). VCF-style: chr2-178733370-C-T. GRCh37 (hg19) VCF-style: chr2-179598097-C-T.
Other names: c.14972G>A, p.Arg4991Gln (NM_001256850.1); c.12191G>A, p.Arg4064Gln (NM_133378.4); c.13282+4712G>A (NM_003319.4); c.13858+4712G>A (NM_133437.4); c.13657+4712G>A (NM_133432.3); short protein forms R5308Q, R4064Q, R4991Q.
Identifiers: ClinVar variation 3892762 (VCV003892762.3).